The following is an entry in ClinVar:

NM_000069.3(CACNA1S):c.1949-8_1986del

Gene: CACNA1S (calcium voltage-gated channel subunit alpha1 S; minus strand). Cytogenetic location: 1q32.1.
Variant type: Deletion.
Coding change: c.1949-8_1986del on transcript NM_000069.3 (MANE Select); 8 bases into the intron before coding-DNA position 1949 through coding-DNA position 1986, 46 bases deleted.
Molecular consequence: splice acceptor variant.
Genome position (GRCh38, 1-based): chr1:201,074,583-201,074,628, 46 bases deleted; deleting any 46 consecutive bases within chr1:201,074,583-201,074,630 gives the same sequence; the c. name uses the placement nearest the transcript's 3' end. GRCh37 (hg19): chr1:201,043,713-201,043,758.
Identifiers: ClinVar variation 2932133 (VCV002932133.4), dbSNP rs1280451927, ClinGen allele CA528305667.
Genomic context (GRCh38, chr1:201,074,582, plus strand): 5'-GTTTTTTCTCCTCAGCCTTGGCCTTCTGGGCAGAAGTCAGGCTCTCCGCCTCGGCCAGGT[TGTCCACGGCAATGGCCAGGAAGACATTGAGCAGGATGTCTGAGCGG>T]GTTTAGCTAAGGAGCCTTTGGTTGTAGGTGGAAGGGAGCCTGCAGGGCAGGAGTTCTGTC-3'

ClinVar aggregate classification (germline): Conflicting classifications of pathogenicity. Review status: criteria provided, conflicting classifications (1 of 4 stars). 2 submissions from 2 submitters: Likely pathogenic (1); Uncertain significance (1). Last evaluated 2023-04-03.

Conditions:
Malignant hyperthermia, susceptibility to, 5 (MHS5). Also called: CACNA1S-Related Malignant Hyperthermia Susceptibility. Identifiers: Orphanet 423, MedGen C1866077, MONDO:0011163, OMIM 601887.
Hypokalemic periodic paralysis, type 1. Also called: HypoPP; Hypokalemic Periodic Paralysis Type 1 (AD). Identifiers: Orphanet 681, MedGen C3714580, MONDO:0042979, OMIM 170400.

Submissions (2):

All of Us Research Program, National Institutes of Health
Classification: Uncertain significance for Malignant hyperthermia, susceptibility to, 5. Last evaluated: 2023-04-03. Review status: criteria provided, single submitter. Criteria: ACMG Guidelines, 2015. Collection method: clinical testing. Allele origin: germline. Inheritance: Autosomal dominant inheritance. Observed: 1 variant allele, 1 heterozygote.
Comment: This variant causes the deletion of 46 nucleotides in exon 14 and intron 13 of the CACNA1S gene, creating a premature translation stop signal. This variant is expected to result in an absent or non-functional protein product. This variant has not been reported in individuals affected with CACNA1S-related disorders in the literature. This variant has been identified in 1/31394 chromosomes in the general population by the Genome Aggregation Database (gnomAD). Loss of CACNA1S function due to haploinsufficiency is not an established disease mechanism for autosomal dominant malignant hyperthermia susceptibility, although it has been associated with other phenotypes (PMID: 28012042, 34608571, 34777470). Due to insufficient evidence, this variant is classified as a Variant of Uncertain Significance for autosomal dominant malignant hyperthermia.

This study involves interpretation of variants in research participants for the purpose of population health screening. Participant phenotype was not available at the time of variant classification. Additional details can be found in publication PMID: 35346344, PMCID: PMC8962531

Labcorp Genetics (formerly Invitae), Labcorp
Classification: Likely pathogenic for Hypokalemic periodic paralysis, type 1; Malignant hyperthermia, susceptibility to, 5. Last evaluated: 2022-10-23. Review status: criteria provided, single submitter. Criteria: Invitae Variant Classification Sherloc (09022015). Collection method: clinical testing. Allele origin: germline.
Comment: In summary, the currently available evidence indicates that the variant is pathogenic, but additional data are needed to prove that conclusively. Therefore, this variant has been classified as Likely Pathogenic. Algorithms developed to predict the effect of sequence changes on RNA splicing suggest that this variant may disrupt the consensus splice site. This variant has not been reported in the literature in individuals affected with CACNA1S-related conditions. This variant is present in population databases (no rsID available, gnomAD 0.007%). This variant results in the deletion of part of exon 14 (c.1949-8_1986del) of the CACNA1S gene. It is expected to disrupt RNA splicing. Variants that disrupt the donor or acceptor splice site typically lead to a loss of protein function (PMID: 16199547), and loss-of-function variants in CACNA1S are known to be pathogenic (PMID: 26247046, 28012042).

Literature cited by the submitters: PubMed 28012042 (cited by All of Us Research Program, National Institutes of Health and Labcorp Genetics (formerly Invitae), Labcorp); PubMed 34608571 (cited by All of Us Research Program, National Institutes of Health); PubMed 34777470 (cited by All of Us Research Program, National Institutes of Health); PubMed 16199547 (cited by Labcorp Genetics (formerly Invitae), Labcorp); PubMed 26247046 (cited by Labcorp Genetics (formerly Invitae), Labcorp).